The following is an entry in ClinVar:

NM_000492.4(CFTR):c.3205G>A (p.Gly1069Arg)

Genes: CFTR (CF transmembrane conductance regulator; plus strand), CFTR-AS2 (CFTR antisense RNA 2; minus strand), LOC111674472 (DNase I hypersensitive sites in introns 16 and 17a of CFTR; plus strand). Cytogenetic location: 7q31.2.
Variant type: single nucleotide variant.
Coding change: c.3205G>A on transcript NM_000492.4 (MANE Select); coding-DNA position 3205, G replaced by A.
Protein change: p.Gly1069Arg; replaces glycine 1069 with arginine.
Molecular consequence: missense variant.
Genome position (GRCh38, 1-based): chr7:117,611,646, G>A. VCF-style: chr7-117611646-G-A. GRCh37 (hg19) VCF-style: chr7-117251700-G-A.
Other names: short protein forms G1069R.
Identifiers: ClinVar variation 53684 (VCV000053684.73), dbSNP rs200321110, ClinGen allele CA327097.

ClinVar aggregate classification (germline): Conflicting classifications of pathogenicity. Review status: criteria provided, conflicting classifications (1 of 4 stars). 27 submissions from 25 submitters: Pathogenic (3); Likely pathogenic (12); Uncertain significance (9). 3 of the submissions do not count toward it. Last evaluated 2026-06-09.

Conditions:
CFTR-related disorder (CFTR-RD). Also called: CFTR-related condition; CFTR-related disorders. Identifiers: MedGen C5924204, MONDO:7770004.
Congenital bilateral aplasia of vas deferens from CFTR mutation (CBAVD). Identifiers: Orphanet 48, MedGen C0403814, MONDO:0010178, OMIM 277180. Disease mechanism: loss of function.
Cystic fibrosis (CF). Also called: MUCOVISCIDOSIS. Identifiers: Orphanet 586, MedGen C0010674, MONDO:0009061, OMIM 219700. Disease mechanism: loss of function.
Hereditary pancreatitis (PCTT). Also called: PRSS1-Related Hereditary Pancreatitis; Hereditary chronic pancreatitis. Identifiers: Orphanet 676, MedGen C0238339, MONDO:0008185, OMIM 167800.
Bronchiectasis with or without elevated sweat chloride 1 (BESC1). Also called: Cystic Fibrosis-Like Syndrome. Identifiers: Orphanet 60033, MedGen C2749757, MONDO:0008887, OMIM 211400.

Allele frequency attached by ClinVar (database versions not stated): ExAC 0.00023; 1000 Genomes Project 30x 0.00031; TOPMed 0.00028; gnomAD exomes 0.00012 and 0.00026; gnomAD 0.00035; 1000 Genomes Project 0.00040; ESP Exome Variant Server 0.00054.
gnomAD v4.1: 220 of 1,613,472 alleles (0.014%); highest among the groups gnomAD compares: East Asian, 0.11%; no homozygotes.

Submissions 1 to 5 of 27:

Genome Diagnostics Laboratory, The Hospital for Sick Children
Classification: Uncertain significance for Cystic fibrosis. Last evaluated: 2026-06-09. Review status: criteria provided, single submitter. Criteria: ACMG Guidelines, 2015. Collection method: clinical testing. Allele origin: germline. Affected: yes.
Comment: This missense variant results in a change of glycine to arginine at position 1069, and in silico programs predict that this variant may create a cryptic splice site and disrupt normal gene splicing. However, RNA functional studies have not been performed and any effect of this variant on the normal expression of this gene cannot be determined. This variant has been previously reported in a compound heterozygous state in several patients with cystic fibrosis, and many patients with CFTR-related disorders such as bronchiectasis, congenital bilateral absence of the vas difference (CBAVD), pancreatitis or pancreatic insufficiency (PMID: 7512860; PMID: 9099843; PMID: 15772171; PMID: 17003641; PMID: 17329263; PMID: 29997923). Functional studies suggest that this variant does not alter protein expression, but reduces channel function (PMID: 8662892). This variant is observed at an allele frequency of 0.014% in populations of the Genome Aggregation Database (gnomAD). Based on the evidence, this variant is classified as variant of uncertain significance in the context of cystic fibrosis and as a likely pathogenic variant in the context of CFTR-related disorders. (ACMG Criteria: PM2, PM3, PP3).

Women's Health and Genetics/Laboratory Corporation of America, LabCorp
Classification: Uncertain significance. Last evaluated: 2026-05-04. Review status: criteria provided, single submitter. Criteria: LabCorp Variant Classification Summary - May 2015. Collection method: clinical testing. Allele origin: germline.
Comment: Variant summary: CFTR c.3205G>A (p.Gly1069Arg) results in a non-conservative amino acid change located in the ABC transporter type 1, transmembrane domain (IPR011527) of the encoded protein sequence. Algorithms developed to predict the effect of missense changes on protein structure and function are either unavailable or do not agree on the potential impact of this missense change. The variant allele was found at a frequency of 0.00026 in 251634 control chromosomes. This frequency is not significantly higher than estimated for disease-causing variants in CFTR, allowing no conclusion about variant significance. The variant has also been reported in multiple individuals affected with CFTR-Related Diseases, including pancreatitis, congenital bilateral absence of the vas deferens, and classical CF, but sometimes without a second CFTR mutation identified/specified (e.g. Chang_2007, Faucz_2007, Giefer_2017, Lucarelli_2015, Ooi_2015, Sofia_2016, Soltysova_2017, Sosnay_2013, Petrova_2019, Luo_2021, Raraigh_2022, Pelletier_ 2010, LaRusch_2014, Chang_2015, De Braekeleer_1996). In addition, the variant has been reported in phase with another mutation in several affected individuals, including at least 4 occurrences in cis with p.Leu88X in CF patients from Bulgaria and Greece (e.g. Ratbi_2007), and at least 2 occurrences in cis with p.Tyr109Cys in CF patients from Brazil (e.g. Mota_2018), suggesting that the phenotype in these individuals may not be attributable to the p.Gly1069Arg variant alone. Furthermore, co-occurrence with another pathogenic variant associated with pancreatitis risk has also been reported in an individual affected with chronic pancreatitis (SPINK1, p.Asn34Ser; Masson_2013), therefore the contributions of the individual variants to the phenotype in this patient cannot be determined. Several publications report in vitro experimental evidence suggesting that the variant does not affect protein expression or maturation but may alter intracellular localization and moderately impair channel function (e.g. Dong_2012, Seiber_1996, Serohijos_2008, Bihler_2024). The following publications have been ascertained in the context of this evaluation (PMID: 39296431, 38493004, 38388235, 10980579, 17539902, 25869325, 10923036, 15772171, 9239681, 22210114, 35697137, 17718859, 28502372, 34814176, 29589582, 29997923, 17003641, 25033378, 25910067, 32777524, 23951356, 30232781, 11729110, 25963003, 20460946, 31245908, 34782259, 17329263, 8528204, 8662892, 18305154, 27264265, 28544683, 23974870, 32150665, 11430710). ClinVar contains an entry for this variant (Variation ID: 53684). Based on the evidence outlined above, the variant was classified as uncertain significance.

PreventionGenetics, part of Exact Sciences
Classification: Uncertain significance for CFTR-related condition. Last evaluated: 2025-12-28. Review status: criteria provided, single submitter. Criteria: ACMG Guidelines, 2015. Collection method: clinical testing. Allele origin: germline.
Comment: The CFTR c.3205G>A variant is predicted to result in the amino acid substitution p.Gly1069Arg. This variant has been reported in individuals with a range of phenotypes including pancreatitis, bronchiectasis, sarcoidosis, cystic fibrosis and congenital bilateral absence of the vas deferens (Masson et al 2013. PubMed ID: 23951356; Keiles et al 2006. PubMed ID: 17003641; Ratbi et al 2007. PubMed ID: 17329263; Bombieri et al 2000. PubMed ID: 10980579; Guan et al 2018. PubMed ID: 29997923). This variant is classified as a variant with varying consequences in the CFTR2 database and has been reported in the heterozygous state in individuals with CFTR-related disorders, as well as in the compound heterozygous state in an asymptomatic individual in the CFTR France database. Functional studies suggest the p.Gly1069Arg variant impacts protein function, albeit to a lesser extent than expected for a pathogenic variant (Seibert et al. 1996. PubMed ID: 8662892; Bihler et al. 2024. PubMed ID: 38388235; Serohijos et al. 2008. PubMed ID: 18305154; Dong et al. 2012. PubMed ID: 22210114). This variant is reported in 0.12% of alleles in individuals of East Asian descent in gnomAD and has conflicting interpretations in ClinVar ranging from uncertain significance to pathogenic by different laboratories (Variation ID: 53684). At this time, the clinical significance of this variant is uncertain due to the absence of conclusive functional and genetic evidence.

Natera, Inc.
Classification: Likely pathogenic for CFTR-related disorders. Last evaluated: 2025-12-17. Review status: criteria provided, single submitter. Criteria: Natera Variant Classification Schema (03/2026). Collection method: clinical testing. Allele origin: germline.
Comment: The c.3205G>A variant in CFTR is a missense variant predicted to cause substitution of glycine to arginine at amino acid 1069. This variant is rare in the general population with a frequency below the threshold expected for the associated phenotype(s). This variant has been observed in one or more individuals affected with the associated recessive disease, as either homozygous or compound heterozygous with a second variant (PMID: 34814176, 31245908, 17003641, 15772171, 8528204). This variant has been found together with another disease-causing variant in the same copy of the gene (PMID: 7512860, 7512860). Functional studies show no damaging effect (PMID: 38388235). Computational prediction algorithms indicate this variant is likely to affect gene or protein function. Given the available evidence, this variant is classified as Likely Pathogenic.

Dasa
Classification: Likely pathogenic. Last evaluated: 2025-12-01. Review status: criteria provided, single submitter. Criteria: DASA Assertion Criteria. Collection method: clinical testing. Allele origin: germline.
Comment: NM_000492.4(CFTR):c.3205G>A (p.Gly1069Arg) is a missense variant that results in the substitution of glycine with arginine. This variant has been observed in affected individuals with CFTR-related disorders. Also, this variant is rare in population databases. Based on the currently available evidence, this variant is classified as likely pathogenic.